The following is an entry in ClinVar:

NM_001371986.1(UNC80):c.3894del (p.Asn1299fs)

Gene: UNC80 (unc-80 subunit of NALCN channel complex; plus strand). Cytogenetic location: 2q34.
Variant type: Deletion.
Coding change: c.3894del on transcript NM_001371986.1 (MANE Select); coding-DNA position 3894, one base deleted (C; older notation c.3894delC).
Protein change: p.Asn1299fs; shifts the reading frame from asparagine 1299.
Molecular consequence: frameshift variant.
Genome position (GRCh38, 1-based): chr2:209,878,007, C deleted; the last of 2 consecutive C bases (chr2:209,878,006-209,878,007); deleting either gives the same sequence. VCF-style (leftmost placement, unchanged base first): chr2-209878005-GC-G. GRCh37 (hg19) VCF-style: chr2-210742729-GC-G.
Other names: c.3900del, p.Asn1301fs (NM_032504.2); c.3885del, p.Asn1296fs (NM_182587.4); short protein forms N1299fs, N1296fs, N1301fs.
Identifiers: ClinVar variation 2725452 (VCV002725452.3), dbSNP rs2471063377, ClinGen allele CA2662902048.

ClinVar aggregate classification (germline): Pathogenic (1 of 4 stars; one submission).

Submission:

Labcorp Genetics (formerly Invitae), Labcorp
Classification: Pathogenic. Last evaluated: 2023-11-13. Review status: criteria provided, single submitter. Criteria: Invitae Variant Classification Sherloc (09022015). Collection method: clinical testing. Allele origin: germline.
Comment: This sequence change creates a premature translational stop signal (p.Asn1301Thrfs*25) in the UNC80 gene. It is expected to result in an absent or disrupted protein product. Loss-of-function variants in UNC80 are known to be pathogenic (PMID: 26545877, 26708751, 26708753). This variant is not present in population databases (gnomAD no frequency). This variant has not been reported in the literature in individuals affected with UNC80-related conditions. For these reasons, this variant has been classified as Pathogenic.

Literature cited by the submitters: PubMed 26545877; PubMed 26708751; PubMed 26708753.